The following is an entry in ClinVar:

ClinVar aggregate classification (germline): Pathogenic (1 of 4 stars; one submission).

Conditions:
Nephronophthisis. Also called: Juvenile Nephronophthisis. Identifiers: Orphanet 655, MedGen C0687120, MONDO:0019005, HP:0000090.

Allele frequency attached by ClinVar (database versions not stated): gnomAD exomes below 0.00001.

Submission:

Labcorp Genetics (formerly Invitae), Labcorp
Classification: Pathogenic for Nephronophthisis. Last evaluated: 2022-12-12. Review status: criteria provided, single submitter. Criteria: Invitae Variant Classification Sherloc (09022015). Collection method: clinical testing. Allele origin: germline.
Comment: For these reasons, this variant has been classified as Pathogenic. This variant has not been reported in the literature in individuals affected with NPHP4-related conditions. This variant is not present in population databases (gnomAD no frequency). This sequence change creates a premature translational stop signal (p.Leu502Cysfs*52) in the NPHP4 gene. It is expected to result in an absent or disrupted protein product. Loss-of-function variants in NPHP4 are known to be pathogenic (PMID: 12205563, 23559409).

Literature cited by the submitters: PubMed 12205563; PubMed 23559409.

NM_015102.5(NPHP4):c.1500del (p.Leu502fs)

Gene: NPHP4 (nephrocystin 4; minus strand). Cytogenetic location: 1p36.31.
Variant type: Deletion.
Coding change: c.1500del on transcript NM_015102.5 (MANE Select); coding-DNA position 1500, one base deleted (A; older notation c.1500delA).
Protein change: p.Leu502fs; shifts the reading frame from leucine 502.
Molecular consequence: frameshift variant. On other transcripts: non-coding transcript variant (1), intron variant (2).
Genome position (GRCh38, 1-based): chr1:5,909,155, T deleted on the plus strand (A on the coding strand, the reverse complement: NPHP4 is on the minus strand). VCF-style (leftmost placement, unchanged base first): chr1-5909154-CT-C. GRCh37 (hg19) VCF-style: chr1-5969214-CT-C.
Other names: c.76-3372del (NM_001291594.2); c.76-3375del (NM_001291593.2); short protein forms L502fs.
Identifiers: ClinVar variation 2820390 (VCV002820390.3), dbSNP rs2521715879, ClinGen allele CA2642912615.
Genomic context (GRCh38, chr1:5,909,154, plus strand): 5'-TTCTTGCAAGTAATTGACTCTGGAATTCTGAAGGAGGCCGTGGGGGGCCTGGACTTACCC[CT>C]GGTCCCACAGGTGAGTTCTGCGGGGCAGCGAGAACTCGAGGTACTGGCGCTGGCGGGCCT-3'